The following is an entry in ClinVar:

NM_001735.3(C5):c.664T>C (p.Tyr222His)

Gene: C5 (complement C5; minus strand). Cytogenetic location: 9q33.2.
Variant type: single nucleotide variant.
Coding change: c.664T>C on transcript NM_001735.3 (MANE Select); coding-DNA position 664, T replaced by C.
Protein change: p.Tyr222His; replaces tyrosine 222 with histidine.
Molecular consequence: missense variant.
Genome position (GRCh38, 1-based): chr9:121,032,116, A>G on the plus strand (T>C on the coding strand, the complement: C5 is on the minus strand). VCF-style: chr9-121032116-A-G. GRCh37 (hg19) VCF-style: chr9-123794394-A-G.
Other names: c.682T>C, p.Tyr228His (NM_001317163.2); c.664T>C, p.Tyr222His (NM_001317164.2); short protein forms Y228H, Y222H.
Identifiers: ClinVar variation 1345703 (VCV001345703.6), dbSNP rs747046818, ClinGen allele CA5218321.

ClinVar aggregate classification (germline): Uncertain significance (1 of 4 stars; one submission).

Allele frequency attached by ClinVar (database versions not stated): gnomAD exomes below 0.00001 and 0.00001; ExAC 0.00001; gnomAD 0.00001; TOPMed 0.00001.
gnomAD v4.1: 9 of 1,580,266 alleles (0.00057%); highest among the groups gnomAD compares: Non-Finnish European, 0.00078%; no homozygotes.

Submission:

Labcorp Genetics (formerly Invitae), Labcorp
Classification: Uncertain significance. Last evaluated: 2021-10-15. Review status: criteria provided, single submitter. Criteria: Invitae Variant Classification Sherloc (09022015). Collection method: clinical testing. Allele origin: germline.
Comment: In summary, the available evidence is currently insufficient to determine the role of this variant in disease. Therefore, it has been classified as a Variant of Uncertain Significance. Algorithms developed to predict the effect of missense changes on protein structure and function are either unavailable or do not agree on the potential impact of this missense change (SIFT: "Deleterious"; PolyPhen-2: "Possibly Damaging"; Align-GVGD: "Class C0"). This variant has not been reported in the literature in individuals affected with C5-related conditions. This variant is present in population databases (rs747046818, ExAC 0.002%). This sequence change replaces tyrosine with histidine at codon 222 of the C5 protein (p.Tyr222His). The tyrosine residue is highly conserved and there is a moderate physicochemical difference between tyrosine and histidine.